The following is an entry in ClinVar:

ClinVar aggregate classification (germline): Pathogenic (1 of 4 stars; one submission).

Conditions:
Epidermolysis bullosa simplex 5B, with muscular dystrophy (EBS5B). Also called: Epidermolysis bullosa simplex with muscular dystrophy; EPIDERMOLYSIS BULLOSA SIMPLEX AND LIMB-GIRDLE MUSCULAR DYSTROPHY. Identifiers: Orphanet 257, MedGen C2931072, MONDO:0009181, OMIM 226670.
Epidermolysis bullosa simplex 5C, with pyloric atresia (EBS5C). Also called: PLEC-Related Epidermolysis Bullosa with Pyloric Atresia; Epidermolysis bullosa simplex with pyloric atresia; PLEC1-Related Epidermolysis Bullosa with Pyloric Atresia. Identifiers: Orphanet 158684, MedGen C2677349, MONDO:0012807, OMIM 612138.
Autosomal recessive limb-girdle muscular dystrophy type 2Q (LGMDR17). Also called: MUSCULAR DYSTROPHY, LIMB-GIRDLE, AUTOSOMAL RECESSIVE 17. Identifiers: Orphanet 254361, MedGen C3150989, MONDO:0013390, OMIM 613723.
Epidermolysis bullosa simplex with nail dystrophy (EBS5D). Identifiers: MedGen C4225309, MONDO:0014661, OMIM 616487.
Epidermolysis bullosa simplex, Ogna type (EBS5A). Also called: Pidermolysis bullosa simplex 5A, Ogna type; EPIDERMOLYSIS BULLOSA SIMPLEX 5A, OGNA TYPE. Identifiers: Orphanet 79401, MedGen C0432317, MONDO:0007555, OMIM 131950.

Allele frequency attached by ClinVar (database versions not stated): gnomAD exomes below 0.00001.

Submission:

Labcorp Genetics (formerly Invitae), Labcorp
Classification: Pathogenic for Autosomal recessive limb-girdle muscular dystrophy type 2Q; Epidermolysis bullosa simplex, Ogna type; Epidermolysis bullosa simplex with nail dystrophy; Epidermolysis bullosa simplex 5C, with pyloric atresia; Epidermolysis bullosa simplex 5B, with muscular dystrophy. Last evaluated: 2022-08-07. Review status: criteria provided, single submitter. Criteria: Invitae Variant Classification Sherloc (09022015). Collection method: clinical testing. Allele origin: germline.
Comment: For these reasons, this variant has been classified as Pathogenic. This variant has not been reported in the literature in individuals affected with PLEC-related conditions. This variant is not present in population databases (gnomAD no frequency). This sequence change creates a premature translational stop signal (p.Arg206*) in the PLEC gene. It is expected to result in an absent or disrupted protein product. Loss-of-function variants in PLEC are known to be pathogenic (PMID: 20301336, 20447487, 21109228, 23289980, 28824526).

Literature cited by the submitters: PubMed 20301336; PubMed 20447487; PubMed 21109228; PubMed 23289980; PubMed 28824526.

NM_201384.3(PLEC):c.535C>T (p.Arg179Ter)

Gene: PLEC (plectin; minus strand). Cytogenetic location: 8q24.3.
Variant type: single nucleotide variant.
Coding change: c.535C>T on transcript NM_201384.3 (MANE Select); coding-DNA position 535, C replaced by T.
Protein change: p.Arg179Ter; replaces arginine 179 with a stop codon.
Molecular consequence: nonsense.
Genome position (GRCh38, 1-based): chr8:143,935,915, G>A on the plus strand (C>T on the coding strand, the complement: PLEC is on the minus strand). VCF-style: chr8-143935915-G-A. GRCh37 (hg19) VCF-style: chr8-145010083-G-A.
Other names: c.616C>T, p.Arg206Ter (NM_000445.5, NM_001410941.1); c.493C>T, p.Arg165Ter (NM_201378.4); c.469C>T, p.Arg157Ter (NM_201379.3); c.946C>T, p.Arg316Ter (NM_201380.4); c.439C>T, p.Arg147Ter (NM_201381.3); c.535C>T, p.Arg179Ter (NM_201382.4); c.547C>T, p.Arg183Ter (NM_201383.3); short protein forms R147*, R157*, R165*, R179*, R183*, R206*, R316*.
Identifiers: ClinVar variation 2416968 (VCV002416968.8), dbSNP rs2539091124, ClinGen allele CA372588697.